The following is an entry in ClinVar:

NM_032043.3(BRIP1):c.3582G>A (p.Lys1194=)

Gene: BRIP1 (BRCA1 interacting DNA helicase 1; minus strand). Cytogenetic location: 17q23.2.
Variant type: single nucleotide variant.
Coding change: c.3582G>A on transcript NM_032043.3 (MANE Select); coding-DNA position 3582, G replaced by A.
Protein change: p.Lys1194=; no amino-acid change (lysine 1194 retained).
Molecular consequence: synonymous variant.
Genome position (GRCh38, 1-based): chr17:61,683,464, C>T on the plus strand (G>A on the coding strand, the complement: BRIP1 is on the minus strand). VCF-style: chr17-61683464-C-T. GRCh37 (hg19) VCF-style: chr17-59760825-C-T.
Identifiers: ClinVar variation 512993 (VCV000512993.6), dbSNP rs1555572521, ClinGen allele CA501335230.

ClinVar aggregate classification (germline): Benign/Likely benign. Review status: criteria provided, multiple submitters, no conflicts (2 of 4 stars). 4 submissions from 4 submitters: Benign (1); Likely benign (3). Last evaluated 2024-09-10.

Conditions:
Familial cancer of breast. Also called: BREAST CANCER, FAMILIAL; Hereditary breast cancer; hereditary breast carcinoma. Identifiers: Orphanet 227535, MedGen C0346153, MONDO:0016419, OMIM 114480. Disease mechanism: loss of function.
Fanconi anemia complementation group J. Also called: BRIP1-Related Fanconi Anemia. Identifiers: Orphanet 84, MedGen C1836860, MONDO:0012187, OMIM 609054.
Hereditary cancer-predisposing syndrome. Also called: Hereditary Cancer Syndrome; Tumor predisposition; Neoplastic Syndromes, Hereditary; Hereditary neoplastic syndrome. Identifiers: Orphanet 140162, MedGen C0027672, MeSH D009386, MONDO:0015356.

Submissions (4):

Myriad Genetics, Inc.
Classification: Benign for Familial cancer of breast. Last evaluated: 2024-09-10. Review status: criteria provided, single submitter. Criteria: Myriad Autosomal Dominant, Autosomal Recessive and X-Linked Classification Criteria (2023). Collection method: clinical testing. Allele origin: unknown.
Comment: This variant is considered benign. This variant is a silent/synonymous amino acid change and it is not expected to impact splicing.

Labcorp Genetics (formerly Invitae), Labcorp
Classification: Likely benign for Familial cancer of breast; Fanconi anemia complementation group J. Last evaluated: 2024-03-23. Review status: criteria provided, single submitter. Criteria: Invitae Variant Classification Sherloc (09022015). Collection method: clinical testing. Allele origin: germline.

Ambry Genetics
Classification: Likely benign for Hereditary cancer-predisposing syndrome. Last evaluated: 2023-08-25. Review status: criteria provided, single submitter. Criteria: Ambry Variant Classification Scheme 2023. Collection method: clinical testing. Allele origin: germline.

GeneDx
Classification: Likely benign. Last evaluated: 2017-10-25. Review status: criteria provided, single submitter. Criteria: GeneDx Variant Classification (06012015). Collection method: clinical testing. Allele origin: germline. Affected: yes.
Comment: This variant is considered likely benign or benign based on one or more of the following criteria: it is a conservative change, it occurs at a poorly conserved position in the protein, it is predicted to be benign by multiple in silico algorithms, and/or has population frequency not consistent with disease.